The following is an entry in ClinVar:

ClinVar aggregate classification (germline): Uncertain significance (1 of 4 stars; one submission).

Conditions:
Cataract 39 multiple types. Also called: Cataract 39, multiple types, autosomal dominant. Identifiers: Orphanet 91492, MedGen C3808800, MONDO:0014075, OMIM 615188.

Allele frequency attached by ClinVar (database versions not stated): ExAC 0.00001.

Submission:

Labcorp Genetics (formerly Invitae), Labcorp
Classification: Uncertain significance for Cataract 39 multiple types. Last evaluated: 2023-06-15. Review status: criteria provided, single submitter. Criteria: Invitae Variant Classification Sherloc (09022015). Collection method: clinical testing. Allele origin: germline.
Comment: In summary, the available evidence is currently insufficient to determine the role of this variant in disease. Therefore, it has been classified as a Variant of Uncertain Significance. An algorithm developed to predict the effect of missense changes on protein structure and function (PolyPhen-2) suggests that this variant is likely to be disruptive. This variant has not been reported in the literature in individuals affected with CRYGB-related conditions. The frequency data for this variant in the population databases is considered unreliable, as metrics indicate poor data quality at this position in the gnomAD database. This sequence change replaces glycine, which is neutral and non-polar, with valine, which is neutral and non-polar, at codon 101 of the CRYGB protein (p.Gly101Val).

NM_005210.4(CRYGB):c.302G>T (p.Gly101Val)

Genes: CRYGB (crystallin gamma B; minus strand), LOC100507443 (uncharacterized LOC100507443; plus strand). Cytogenetic location: 2q33.3.
Variant type: single nucleotide variant.
Coding change: c.302G>T on transcript NM_005210.4 (MANE Select); coding-DNA position 302, G replaced by T.
Protein change: p.Gly101Val; replaces glycine 101 with valine.
Molecular consequence: missense variant.
Genome position (GRCh38, 1-based): chr2:208,142,864, C>A on the plus strand (G>T on the coding strand, the complement: CRYGB is on the minus strand). VCF-style: chr2-208142864-C-A. GRCh37 (hg19) VCF-style: chr2-209007588-C-A.
Other names: short protein forms G101V.
Identifiers: ClinVar variation 2906200 (VCV002906200.3), dbSNP rs747804260, ClinGen allele CA2078078.